The following is an entry in ClinVar:

ClinVar aggregate classification (germline): Uncertain significance. Review status: criteria provided, multiple submitters, no conflicts (2 of 4 stars). 2 submissions from 2 submitters: Uncertain significance (2). Last evaluated 2024-07-09.

Conditions:
Inborn genetic diseases. Identifiers: MedGen C0950123, MeSH D030342.

Allele frequency attached by ClinVar (database versions not stated): TOPMed 0.00002; gnomAD exomes 0.00006; ExAC 0.00007.

Submissions (2):

Ambry Genetics
Classification: Uncertain significance for Inborn genetic diseases. Last evaluated: 2024-07-09. Review status: criteria provided, single submitter. Criteria: Ambry Variant Classification Scheme 2023. Collection method: clinical testing. Allele origin: germline.

Labcorp Genetics (formerly Invitae), Labcorp
Classification: Uncertain significance. Last evaluated: 2022-08-23. Review status: criteria provided, single submitter. Criteria: Invitae Variant Classification Sherloc (09022015). Collection method: clinical testing. Allele origin: germline.
Comment: In summary, the available evidence is currently insufficient to determine the role of this variant in disease. Therefore, it has been classified as a Variant of Uncertain Significance. Algorithms developed to predict the effect of missense changes on protein structure and function output the following: SIFT: "Deleterious"; PolyPhen-2: "Benign"; Align-GVGD: "Class C15". The valine amino acid residue is found in multiple mammalian species, which suggests that this missense change does not adversely affect protein function. ClinVar contains an entry for this variant (Variation ID: 999916). This variant has not been reported in the literature in individuals affected with VCAN-related conditions. This variant is present in population databases (rs763563264, gnomAD 0.03%). This sequence change replaces aspartic acid, which is acidic and polar, with valine, which is neutral and non-polar, at codon 2055 of the VCAN protein (p.Asp2055Val).

NM_004385.5(VCAN):c.6164A>T (p.Asp2055Val)

Genes: VCAN (versican; plus strand), VCAN-AS1 (VCAN antisense RNA 1; minus strand). Cytogenetic location: 5q14.3.
Variant type: single nucleotide variant.
Coding change: c.6164A>T on transcript NM_004385.5 (MANE Select); coding-DNA position 6164, A replaced by T.
Protein change: p.Asp2055Val; replaces aspartic acid 2055 with valine.
Molecular consequence: missense variant. On other transcripts: intron variant (2).
Genome position (GRCh38, 1-based): chr5:83,539,167, A>T. VCF-style: chr5-83539167-A-T. GRCh37 (hg19) VCF-style: chr5-82834986-A-T.
Other names: c.6164A>T (NM_004385.4); c.3203A>T, p.Asp1068Val (NM_001164097.2); c.4004-6370A>T (NM_001164098.2); c.1043-6370A>T (NM_001126336.3); short protein forms D1068V, D2055V.
Identifiers: ClinVar variation 999916 (VCV000999916.9), dbSNP rs763563264, ClinGen allele CA3333443.